The following is an entry in ClinVar:

NM_170682.4(P2RX2):c.174-4G>T

Gene: P2RX2 (purinergic receptor P2X 2; plus strand). Cytogenetic location: 12q24.33.
Variant type: single nucleotide variant.
Coding change: c.174-4G>T on transcript NM_170682.4 (MANE Select); 4 bases into the intron before coding-DNA position 174, G replaced by T.
Molecular consequence: intron variant.
Genome position (GRCh38, 1-based): chr12:132,619,435, G>T. VCF-style: chr12-132619435-G-T. GRCh37 (hg19) VCF-style: chr12-133196021-G-T.
Other names: c.174-4G>T (NM_001282165.2, NM_170683.4, NM_174873.3 and 2 more transcripts); c.106-4G>T (NM_012226.5); c.106-409G>T (NM_174872.3).
Identifiers: ClinVar variation 226982 (VCV000226982.16), dbSNP rs200811971, ClinGen allele CA6891389.
Genomic context (GRCh38, chr12:132,619,435, plus strand): 5'-GCCTGCGGGCGGGACTCAGCCTTCCCAGGGTCGCCTCCGGAGCCGGCGCCGCCCCTGCCC[G>T]CAGGTACGTATTCATCGTGCAGAAAAGCTACCAGGAGAGCGAGACGGGCCCCGAGAGCTC-3'

ClinVar aggregate classification (germline): Benign. Review status: criteria provided, multiple submitters, no conflicts (2 of 4 stars). 3 submissions from 3 submitters: Benign (3). Last evaluated 2026-01-24.

Allele frequency attached by ClinVar (database versions not stated): gnomAD exomes 0.00196; ExAC 0.00263; gnomAD 0.00762 and 0.00818; TOPMed 0.00775; 1000 Genomes Project 0.00938; 1000 Genomes Project 30x 0.00984; ESP Exome Variant Server 0.01184.
gnomAD v4.1: 2,209 of 1,611,406 alleles (0.14%); highest among the groups gnomAD compares: African/African-American, 2.6%; 26 homozygotes.

Submissions (3):

Labcorp Genetics (formerly Invitae), Labcorp
Classification: Benign. Last evaluated: 2026-01-24. Review status: criteria provided, single submitter. Criteria: Invitae Variant Classification Sherloc (09022015). Collection method: clinical testing. Allele origin: germline.

GeneDx
Classification: Benign. Last evaluated: 2019-04-29. Review status: criteria provided, single submitter. Criteria: GeneDx Variant Classification Process June 2021. Collection method: clinical testing. Allele origin: germline. Affected: yes.

Laboratory for Molecular Medicine, Mass General Brigham Personalized Medicine
Classification: Benign. Last evaluated: 2014-11-24. Review status: criteria provided, single submitter. Criteria: LMM Criteria. Collection method: clinical testing. Allele origin: germline. Observed: 6 variant alleles.
Comment: 174-4G>T in intron 1 of P2RX2: This variant is not expected to have clinical sig nificance because it is not located within the conserved splice consensus sequen ce. It has been identified in 3.5% (154/4406) of African American chromosomes fr om a broad population by the NHLBI Exome Sequencing Project (dbSNP rs200811971).